The following is an entry in ClinVar:

NM_002485.5(NBN):c.1107dup (p.Glu370fs)

Gene: NBN (nibrin; minus strand). Cytogenetic location: 8q21.3.
Variant type: Duplication.
Coding change: c.1107dup on transcript NM_002485.5 (MANE Select); coding-DNA position 1107, one base duplicated (A; older notation c.1107dupA).
Protein change: p.Glu370fs; shifts the reading frame from glutamic acid 370.
Molecular consequence: frameshift variant.
Genome position (GRCh38, 1-based): chr8:89,958,742, T duplicated on the plus strand (A on the coding strand, the reverse complement: NBN is on the minus strand). VCF-style (leftmost placement, unchanged base first): chr8-89958741-C-CT. GRCh37 (hg19) VCF-style: chr8-90970969-C-CT.
Other names: c.861dup, p.Glu288fs (NM_001024688.3); short protein forms E370fs, E288fs.
Identifiers: ClinVar variation 1451214 (VCV001451214.7), dbSNP rs2129744712, ClinGen allele CA2573143357.

ClinVar aggregate classification (germline): Pathogenic. Review status: criteria provided, multiple submitters, no conflicts (2 of 4 stars). 2 submissions from 2 submitters: Pathogenic (2). Last evaluated 2026-01-26.

Conditions:
Microcephaly, normal intelligence and immunodeficiency (NBS). Also called: SEEMANOVA SYNDROME II; Ataxia telangiectasia variant V1; Immunodeficiency, microcephaly with normal intelligence; Nijmegen breakage syndrome; Microcephaly with normal intelligence immunodeficiency and lymphoreticular malignancies; Nonsyndromal microcephaly autosomal recessive with normal intelligence. Identifiers: Orphanet 647, MedGen C0398791, MONDO:0009623, OMIM 251260.

Submissions (2):

Myriad Genetics, Inc.
Classification: Pathogenic for Microcephaly, normal intelligence and immunodeficiency. Last evaluated: 2026-01-26. Review status: criteria provided, single submitter. Criteria: Myriad Autosomal Dominant, Autosomal Recessive and X-Linked Classification Criteria (2023). Collection method: clinical testing. Allele origin: unknown.
Comment: NM_002485.4(NBN):c.1107dupA(E370Rfs*10) is expected to be pathogenic in the context of Nijmegen breakage syndrome. This variant is predicted to lead to an abnormal or absent protein product due to the creation of a premature termination codon in NBN, a gene where loss-of-function variants are known to be pathogenic. Please note: this variant was assessed in the context of healthy population screening.

Labcorp Genetics (formerly Invitae), Labcorp
Classification: Pathogenic for Microcephaly, normal intelligence and immunodeficiency. Last evaluated: 2021-10-09. Review status: criteria provided, single submitter. Criteria: Invitae Variant Classification Sherloc (09022015). Collection method: clinical testing. Allele origin: germline.
Comment: For these reasons, this variant has been classified as Pathogenic. This variant has not been reported in the literature in individuals with NBN-related conditions. This variant is not present in population databases (ExAC no frequency). This sequence change creates a premature translational stop signal (p.Glu370Argfs*10) in the NBN gene. It is expected to result in an absent or disrupted protein product. Loss-of-function variants in NBN are known to be pathogenic (PMID: 9590180, 16415040).

Literature cited by the submitters: PubMed 9590180 (cited by Labcorp Genetics (formerly Invitae), Labcorp); PubMed 16415040 (cited by Labcorp Genetics (formerly Invitae), Labcorp).